The following is an entry in ClinVar:

NM_001077653.2(TBX20):c.456C>G (p.Ile152Met)

Gene: TBX20 (T-box transcription factor 20; minus strand). Cytogenetic location: 7p14.2.
Variant type: single nucleotide variant.
Coding change: c.456C>G on transcript NM_001077653.2 (MANE Select); coding-DNA position 456, C replaced by G.
Protein change: p.Ile152Met; replaces isoleucine 152 with methionine.
Molecular consequence: missense variant.
Genome position (GRCh38, 1-based): chr7:35,248,766, G>C on the plus strand (C>G on the coding strand, the complement: TBX20 is on the minus strand). VCF-style: chr7-35248766-G-C. GRCh37 (hg19) VCF-style: chr7-35288378-G-C.
Other names: c.456C>G, p.Ile152Met (NM_001166220.1, LRG_755t1); short protein forms I152M.
Identifiers: ClinVar variation 4632 (VCV000004632.14), dbSNP rs137852954, ClinGen allele CA116972.

ClinVar aggregate classification (germline): Uncertain significance. Review status: criteria provided, multiple submitters, no conflicts (2 of 4 stars). 6 submissions from 6 submitters: Uncertain significance (5). 1 of the submissions does not count toward it. Last evaluated 2025-11-18.

Conditions:
Cardiovascular phenotype. Identifiers: MedGen CN230736.
Atrial septal defect 4 (ASD4). Identifiers: Orphanet 1478, MedGen C1969657, MONDO:0012654, OMIM 611363.

Allele frequency attached by ClinVar (database versions not stated): TOPMed 0.00002; gnomAD 0.00001.
gnomAD v4.1: 62 of 1,614,028 alleles (0.0038%); highest among the groups gnomAD compares: Middle Eastern, 0.016%; no homozygotes.

Submissions (6):

Labcorp Genetics (formerly Invitae), Labcorp
Classification: Uncertain significance. Last evaluated: 2025-11-18. Review status: criteria provided, single submitter. Criteria: Invitae Variant Classification Sherloc (09022015). Collection method: clinical testing. Allele origin: germline.
Comment: This sequence change replaces isoleucine, which is neutral and non-polar, with methionine, which is neutral and non-polar, at codon 152 of the TBX20 protein (p.Ile152Met). This variant is present in population databases (rs137852954, gnomAD 0.004%). This missense change has been observed in individual(s) with congenital heart disease and/or dilated cardiomyopathy (PMID: 17668378, 34328347, 36178741). It has also been observed to segregate with disease in related individuals. ClinVar contains an entry for this variant (Variation ID: 4632). Invitae Evidence Modeling of protein sequence and biophysical properties (such as structural, functional, and spatial information, amino acid conservation, physicochemical variation, residue mobility, and thermodynamic stability) indicates that this missense variant is not expected to disrupt TBX20 protein function with a negative predictive value of 80%. Experimental studies have shown that this missense change affects TBX20 function (PMID: 17668378, 19762328). In summary, the available evidence is currently insufficient to determine the role of this variant in disease. Therefore, it has been classified as a Variant of Uncertain Significance.

Fulgent Genetics
Classification: Uncertain significance for Atrial septal defect 4. Last evaluated: 2021-09-13. Review status: criteria provided, single submitter. Criteria: ACMG Guidelines, 2015. Collection method: clinical testing. Allele origin: unknown.

Ambry Genetics
Classification: Uncertain significance for Cardiovascular phenotype. Last evaluated: 2021-01-27. Review status: criteria provided, single submitter. Criteria: Ambry Variant Classification Scheme 2023. Collection method: clinical testing. Allele origin: germline.
Comment: The p.I152M variant (also known as c.456C>G), located in coding exon 3 of the TBX20 gene, results from a C to G substitution at nucleotide position 456. The isoleucine at codon 152 is replaced by methionine, an amino acid with highly similar properties. This variant was also detected in a pediatric dilated cardiomyopathy cohort; however, the affected case reportedly had confirmed GM1 gangliosidosis and was also homozygous for a GLB1 mutation (Herkert JC et al. Genet Med, 2018 11;20:1374-1386). Limited functional studies suggested reduced function, but the clinical impact is uncertain (Kirk EP et al. Am J Hum Genet, 2007 Aug;81:280-91; Posch MG et al. J Med Genet, 2010 Apr;47:230-5). This amino acid position is highly conserved in available vertebrate species. In addition, this alteration is predicted to be deleterious by in silico analysis. Since supporting evidence is limited at this time, the clinical significance of this alteration remains unclear.

GeneDx
Classification: Uncertain significance. Last evaluated: 2020-10-06. Review status: criteria provided, single submitter. Criteria: GeneDx Variant Classification Process June 2021. Collection method: clinical testing. Allele origin: germline. Affected: yes.
Comment: Not observed at a significant frequency in large population cohorts (Lek et al., 2016); In silico analysis supports that this missense variant has a deleterious effect on protein structure/function; This variant is associated with the following publications: (PMID: 17668378, 31589614)

Centre for Mendelian Genomics, University Medical Centre Ljubljana
Classification: Uncertain significance for Atrial septal defect 4. Last evaluated: 2020-03-12. Review status: criteria provided, single submitter. Criteria: ACMG Guidelines, 2015. Collection method: clinical testing. Allele origin: unknown. Affected: yes.
Comment: This variant was classified as: Uncertain significance. The available evidence favors the pathogenic nature of this variant, however the currently available data is insufficient to conclusively support its pathogenic nature. Thus this variant is classified as Uncertain significance - favor pathogenic. The following ACMG criteria were applied in classifying this variant: PS3_SUP,PS4_SUP,PP3.

OMIM
Classification: Pathogenic for ATRIAL SEPTAL DEFECT 4. Last evaluated: 2007-08-01. Review status: no assertion criteria provided. Collection method: literature only. Allele origin: germline. Not counted in ClinVar's aggregate classification.

Literature cited by the submitters: PubMed 17668378 (cited by 3 submitters); PubMed 34328347 (cited by Labcorp Genetics (formerly Invitae), Labcorp); PubMed 36178741 (cited by Labcorp Genetics (formerly Invitae), Labcorp); PubMed 19762328 (cited by Labcorp Genetics (formerly Invitae), Labcorp and Ambry Genetics); PubMed 29517769 (cited by Ambry Genetics).